The following is an entry in ClinVar:

NM_133642.5(LARGE1):c.107-184G>C

Gene: LARGE1 (LARGE xylosyl- and glucuronyltransferase 1; minus strand). Cytogenetic location: 22q12.3.
Variant type: single nucleotide variant.
Coding change: c.107-184G>C on transcript NM_133642.5 (MANE Select); 184 bases into the intron before coding-DNA position 107, G replaced by C.
Molecular consequence: intron variant.
Genome position (GRCh38, 1-based): chr22:33,650,852, C>G on the plus strand (G>C on the coding strand, the complement: LARGE1 is on the minus strand). VCF-style: chr22-33650852-C-G. GRCh37 (hg19) VCF-style: chr22-34046838-C-G.
Other names: c.107-184G>C (NM_001362953.2, NM_001362949.2, NM_001378627.1 and 7 more transcripts).
Identifiers: ClinVar variation 676966 (VCV000676966.2), dbSNP rs9621741, ClinGen allele CA323755395.

ClinVar aggregate classification (germline): Benign. Review status: criteria provided, multiple submitters, no conflicts (2 of 4 stars). 2 submissions from 2 submitters: Benign (2). Last evaluated 2018-06-18.

Allele frequency attached by ClinVar (database versions not stated): TOPMed 0.12702; 1000 Genomes Project 0.12600; 1000 Genomes Project 30x 0.13429.
gnomAD v4.1: 17,050 of 152,124 alleles (11%); highest among the groups gnomAD compares: African/African-American, 38%; 3,099 homozygotes.

Submissions (2):

GeneDx
Classification: Benign. Last evaluated: 2018-06-18. Review status: criteria provided, single submitter. Criteria: GeneDx Variant Classification (06012015). Collection method: clinical testing. Allele origin: germline. Affected: yes.
Comment: This variant is considered likely benign or benign based on one or more of the following criteria: it is a conservative change, it occurs at a poorly conserved position in the protein, it is predicted to be benign by multiple in silico algorithms, and/or has population frequency not consistent with disease.

Breakthrough Genomics
Classification: Benign. Review status: criteria provided, single submitter. Criteria: ACMG Guidelines, 2015. Collection method: not provided. Allele origin: germline. Inheritance: Autosomal recessive inheritance. Affected: yes.